The following is an entry in ClinVar:

NM_003283.6(TNNT1):c.200A>G (p.His67Arg)

Genes: TNNT1 (troponin T1, slow skeletal type; minus strand), LOC130065089 (ATAC-STARR-seq lymphoblastoid active region 15077; plus strand). Cytogenetic location: 19q13.42.
Variant type: single nucleotide variant.
Coding change: c.200A>G on transcript NM_003283.6 (MANE Select); coding-DNA position 200, A replaced by G.
Protein change: p.His67Arg; replaces histidine 67 with arginine.
Molecular consequence: missense variant.
Genome position (GRCh38, 1-based): chr19:55,141,295, T>C on the plus strand (A>G on the coding strand, the complement: TNNT1 is on the minus strand). VCF-style: chr19-55141295-T-C. GRCh37 (hg19) VCF-style: chr19-55652663-T-C.
Other names: c.200A>G, p.His67Arg (NM_001126132.3); c.167A>G, p.His56Arg (NM_001126133.3, NM_001291774.2); short protein forms H67R, H56R.
Identifiers: ClinVar variation 465993 (VCV000465993.9), dbSNP rs1555858107, ClinGen allele CA407435737.

ClinVar aggregate classification (germline): Uncertain significance (1 of 4 stars; one submission).

Conditions:
Nemaline myopathy 5 (NEM5A). Also called: NEMALINE MYOPATHY, AMISH TYPE; Nemaline myopathy 5, Amish type; NEMALINE MYOPATHY 5A, AUTOSOMAL RECESSIVE, SEVERE INFANTILE. Identifiers: Orphanet 98902, MedGen C1854380, MONDO:0011539, OMIM 605355.

Submission:

Labcorp Genetics (formerly Invitae), Labcorp
Classification: Uncertain significance for Nemaline myopathy 5. Last evaluated: 2022-07-06. Review status: criteria provided, single submitter. Criteria: Invitae Variant Classification Sherloc (09022015). Collection method: clinical testing. Allele origin: germline.
Comment: This sequence change replaces histidine, which is basic and polar, with arginine, which is basic and polar, at codon 67 of the TNNT1 protein (p.His67Arg). This variant is not present in population databases (gnomAD no frequency). This variant has not been reported in the literature in individuals affected with TNNT1-related conditions. ClinVar contains an entry for this variant (Variation ID: 465993). Algorithms developed to predict the effect of missense changes on protein structure and function are either unavailable or do not agree on the potential impact of this missense change (SIFT: "Tolerated"; PolyPhen-2: "Probably Damaging"; Align-GVGD: "Class C0"). In summary, the available evidence is currently insufficient to determine the role of this variant in disease. Therefore, it has been classified as a Variant of Uncertain Significance.